The following is an entry in ClinVar:

NM_006421.5(ARFGEF1):c.1273C>G (p.Leu425Val)

Gene: ARFGEF1 (ARF guanine nucleotide exchange factor 1; minus strand). Cytogenetic location: 8q13.2.
Variant type: single nucleotide variant.
Coding change: c.1273C>G on transcript NM_006421.5 (MANE Select); coding-DNA position 1273, C replaced by G.
Protein change: p.Leu425Val; replaces leucine 425 with valine.
Molecular consequence: missense variant. On other transcripts: non-coding transcript variant (1), intron variant (1).
Genome position (GRCh38, 1-based): chr8:67,276,040, G>C on the plus strand (C>G on the coding strand, the complement: ARFGEF1 is on the minus strand). VCF-style: chr8-67276040-G-C. GRCh37 (hg19) VCF-style: chr8-68188275-G-C.
Other names: c.1273C>G, p.Leu425Val (NM_001413184.1, NM_001413185.1, NM_001413186.1 and 7 more transcripts); c.673C>G, p.Leu225Val (NM_001413188.1, NM_001413193.1, NM_001413197.1); c.-88-4104C>G (NM_001413196.1); short protein forms L225V, L425V.
Identifiers: ClinVar variation 3901471 (VCV003901471.1).

ClinVar aggregate classification (germline): Uncertain significance (1 of 4 stars; one submission).

Submission:

GeneDx
Classification: Uncertain significance. Last evaluated: 2024-12-09. Review status: criteria provided, single submitter. Criteria: GeneDx Variant Classification Process June 2021. Collection method: clinical testing. Allele origin: germline. Affected: yes.
Comment: Not observed at significant frequency in large population cohorts (gnomAD); In silico analysis supports that this missense variant has a deleterious effect on protein structure/function; Has not been previously published as pathogenic or benign to our knowledge